The following is an entry in ClinVar:

ClinVar aggregate classification (germline): Uncertain significance (1 of 4 stars; one submission).

Conditions:
Hereditary cancer-predisposing syndrome. Also called: Neoplastic Syndromes, Hereditary; Tumor predisposition; Hereditary neoplastic syndrome; Hereditary Cancer Syndrome. Identifiers: Orphanet 140162, MedGen C0027672, MeSH D009386, MONDO:0015356.

Submission:

Ambry Genetics
Classification: Uncertain significance for Hereditary cancer-predisposing syndrome. Last evaluated: 2026-07-06. Review status: criteria provided, single submitter. Criteria: Ambry Variant Classification Scheme 2023. Collection method: clinical testing. Allele origin: germline.
Comment: The p.G85R variant (also known as c.253G>C), located in coding exon 3 of the RAD51D gene, results from a G to C substitution at nucleotide position 253. The glycine at codon 85 is replaced by arginine, an amino acid with dissimilar properties. This amino acid position is conserved. In addition, this alteration is predicted to be tolerated by in silico analysis. Based on the available evidence, the clinical significance of this variant remains unclear.

NM_002878.4(RAD51D):c.263+1572G>C

Genes: RAD51D (RAD51 paralog D; minus strand), RAD51L3-RFFL (RAD51L3-RFFL readthrough; minus strand). Cytogenetic location: 17q12.
Variant type: single nucleotide variant.
Coding change: c.263+1572G>C on transcript NM_002878.4 (MANE Select); 1572 bases into the intron after coding-DNA position 263, G replaced by C.
Molecular consequence: intron variant. On other transcripts: missense variant (1).
Genome position (GRCh38, 1-based): chr17:35,116,929, C>G on the plus strand (G>C on the coding strand, the complement: RAD51D is on the minus strand). VCF-style: chr17-35116929-C-G. GRCh37 (hg19) VCF-style: chr17-33443948-C-G.
Other names: c.253G>C, p.Gly85Arg (NM_001142571.2); c.144+2182G>C (NM_133629.3); short protein forms G85R.
Identifiers: ClinVar variation 5027819 (VCV005027819.1).